The following is an entry in ClinVar:

ClinVar aggregate classification (germline): Uncertain significance. Review status: criteria provided, multiple submitters, no conflicts (2 of 4 stars). 2 submissions from 2 submitters: Uncertain significance (2). Last evaluated 2026-04-24.

Conditions:
Hereditary cancer-predisposing syndrome. Also called: Hereditary Cancer Syndrome; Neoplastic Syndromes, Hereditary; Tumor predisposition; Hereditary neoplastic syndrome. Identifiers: Orphanet 140162, MedGen C0027672, MeSH D009386, MONDO:0015356.

gnomAD v4.1: 1 of 1,614,128 alleles (0.000062%); highest among the groups gnomAD compares: Non-Finnish European, 0.000085%; no homozygotes.

Submissions (2):

Ambry Genetics
Classification: Uncertain significance for Hereditary cancer-predisposing syndrome. Last evaluated: 2026-04-24. Review status: criteria provided, single submitter. Criteria: Ambry Variant Classification Scheme 2023. Collection method: clinical testing. Allele origin: germline.
Comment: The p.P1319T variant (also known as c.3955C>A), located in coding exon 15 of the APC gene, results from a C to A substitution at nucleotide position 3955. The proline at codon 1319 is replaced by threonine, an amino acid with highly similar properties. This amino acid position is poorly conserved in available vertebrate species. In addition, in silico predictors for this gene do not accurately predict pathogenicity. Missense variants in APC are not a common cause of disease (Spier I et al. Genet Med. 2024 Feb;26(2):100992). Based on the available evidence, the clinical significance of this variant remains unclear.

Color Diagnostics, LLC DBA Color Health
Classification: Uncertain significance for Hereditary cancer-predisposing syndrome. Last evaluated: 2019-05-29. Review status: criteria provided, single submitter. Criteria: ACMG Guidelines, 2015. Collection method: clinical testing. Allele origin: germline.

NM_000038.6(APC):c.3955C>A (p.Pro1319Thr)

Gene: APC (APC regulator of Wnt signaling pathway; plus strand). Cytogenetic location: 5q22.2.
Variant type: single nucleotide variant.
Coding change: c.3955C>A on transcript NM_000038.6 (MANE Select); coding-DNA position 3955, C replaced by A.
Protein change: p.Pro1319Thr; replaces proline 1319 with threonine.
Molecular consequence: missense variant.
Genome position (GRCh38, 1-based): chr5:112,839,549, C>A. VCF-style: chr5-112839549-C-A. GRCh37 (hg19) VCF-style: chr5-112175246-C-A.
Other names: c.3955C>A, p.Pro1319Thr (NM_001127510.3, NM_001354895.2); c.3901C>A, p.Pro1301Thr (NM_001127511.3); c.4009C>A, p.Pro1337Thr (NM_001354896.2); c.3985C>A, p.Pro1329Thr (NM_001354897.2); c.3880C>A, p.Pro1294Thr (NM_001354898.2); c.3871C>A, p.Pro1291Thr (NM_001354899.2); c.3832C>A, p.Pro1278Thr (NM_001354900.2); c.3778C>A, p.Pro1260Thr (NM_001354901.2); and 5 more; short protein forms P1036T, P1228T, P1260T, P1294T, P1337T, P1329T, P1159T, P1278T.
Identifiers: ClinVar variation 927168 (VCV000927168.3), dbSNP rs1765567515, ClinGen allele CA16030007.
Genomic context (GRCh38, chr5:112,839,549, plus strand): 5'-GCTAATACCCTGCAAATAGCAGAAATAAAAGAAAAGATTGGAACTAGGTCAGCTGAAGAT[C>A]CTGTGAGCGAAGTTCCAGCAGTGTCACAGCACCCTAGAACCAAATCCAGCAGACTGCAGG-3'
Protein context (NP_000029.2, residues 1309-1329): EKIGTRSAED[Pro1319Thr]VSEVPAVSQH